The following is an entry in ClinVar:

NM_021020.5(LZTS1):c.248C>T (p.Thr83Met)

Gene: LZTS1 (leucine zipper tumor suppressor 1; minus strand). Cytogenetic location: 8p21.3.
Variant type: single nucleotide variant.
Coding change: c.248C>T on transcript NM_021020.5 (MANE Select); coding-DNA position 248, C replaced by T.
Protein change: p.Thr83Met; replaces threonine 83 with methionine.
Molecular consequence: missense variant.
Genome position (GRCh38, 1-based): chr8:20,254,934, G>A on the plus strand (C>T on the coding strand, the complement: LZTS1 is on the minus strand). VCF-style: chr8-20254934-G-A. GRCh37 (hg19) VCF-style: chr8-20112445-G-A.
Other names: c.248C>T, p.Thr83Met (NM_001362884.2); short protein forms T83M.
Identifiers: ClinVar variation 1907965 (VCV001907965.5), dbSNP rs200478983, ClinGen allele CA4657578.

ClinVar aggregate classification (germline): Uncertain significance (1 of 4 stars; one submission).

Allele frequency attached by ClinVar (database versions not stated): gnomAD 0.00005; gnomAD exomes 0.00009; TOPMed 0.00009; ExAC 0.00012.
gnomAD v4.1: 145 of 1,614,092 alleles (0.009%); highest among the groups gnomAD compares: East Asian, 0.031%; no homozygotes.

Submission:

Labcorp Genetics (formerly Invitae), Labcorp
Classification: Uncertain significance. Last evaluated: 2025-02-13. Review status: criteria provided, single submitter. Criteria: Invitae Variant Classification Sherloc (09022015). Collection method: clinical testing. Allele origin: germline.
Comment: This sequence change replaces threonine, which is neutral and polar, with methionine, which is neutral and non-polar, at codon 83 of the LZTS1 protein (p.Thr83Met). This variant is present in population databases (rs200478983, gnomAD 0.01%). This variant has not been reported in the literature in individuals affected with LZTS1-related conditions. ClinVar contains an entry for this variant (Variation ID: 1907965). Invitae Evidence Modeling of protein sequence and biophysical properties (such as structural, functional, and spatial information, amino acid conservation, physicochemical variation, residue mobility, and thermodynamic stability) indicates that this missense variant is not expected to disrupt LZTS1 protein function with a negative predictive value of 80%. In summary, the available evidence is currently insufficient to determine the role of this variant in disease. Therefore, it has been classified as a Variant of Uncertain Significance.